The following is an entry in ClinVar:

NM_003482.4(KMT2D):c.4853T>G (p.Leu1618Arg)

Gene: KMT2D (lysine methyltransferase 2D; minus strand). Cytogenetic location: 12q13.12.
Variant type: single nucleotide variant.
Coding change: c.4853T>G on transcript NM_003482.4 (MANE Select); coding-DNA position 4853, T replaced by G.
Protein change: p.Leu1618Arg; replaces leucine 1618 with arginine.
Molecular consequence: missense variant.
Genome position (GRCh38, 1-based): chr12:49,044,854, A>C on the plus strand (T>G on the coding strand, the complement: KMT2D is on the minus strand). VCF-style: chr12-49044854-A-C. GRCh37 (hg19) VCF-style: chr12-49438637-A-C.
Other names: short protein forms L1618R.
Identifiers: ClinVar variation 3635154 (VCV003635154.2).

ClinVar aggregate classification (germline): Uncertain significance (1 of 4 stars; one submission).

Conditions:
Kabuki syndrome. Also called: NIIKAWA-KUROKI SYNDROME; Kabuki make-up syndrome. Identifiers: Orphanet 2322, MedGen C0796004, MONDO:0016512.

Submission:

Labcorp Genetics (formerly Invitae), Labcorp
Classification: Uncertain significance for Kabuki syndrome. Last evaluated: 2024-05-08. Review status: criteria provided, single submitter. Criteria: Invitae Variant Classification Sherloc (09022015). Collection method: clinical testing. Allele origin: germline.
Comment: This sequence change replaces leucine, which is neutral and non-polar, with arginine, which is basic and polar, at codon 1618 of the KMT2D protein (p.Leu1618Arg). This variant is not present in population databases (gnomAD no frequency). This variant has not been reported in the literature in individuals affected with KMT2D-related conditions. Advanced modeling of protein sequence and biophysical properties (such as structural, functional, and spatial information, amino acid conservation, physicochemical variation, residue mobility, and thermodynamic stability) has been performed at Invitae for this missense variant, however the output from this modeling did not meet the statistical confidence thresholds required to predict the impact of this variant on KMT2D protein function. In summary, the available evidence is currently insufficient to determine the role of this variant in disease. Therefore, it has been classified as a Variant of Uncertain Significance.